The following is an entry in ClinVar:

ClinVar aggregate classification (germline): Conflicting classifications of pathogenicity. Review status: criteria provided, conflicting classifications (1 of 4 stars). 3 submissions from 2 submitters: Uncertain significance (1); Benign (1); Likely benign (1). Last evaluated 2025-08-20.

Conditions:
Freeman-Sheldon syndrome (DA2A). Also called: CRANIOCARPOTARSAL DYSPLASIA; CRANIOCARPOTARSAL DYSTROPHY; Arthrogryposis, distal, type 2A (Freeman-Sheldon); WHISTLING FACE-WINDMILL VANE HAND SYNDROME. Identifiers: Orphanet 2053, MedGen C0265224, MONDO:0008675, OMIM 193700.
Distal arthrogryposis type 2B1 (DA2B1). Also called: Arthrogryposis multiplex congenita distal type II with craniofacial abnormalities. Identifiers: Orphanet 1147, MedGen C5193014, MONDO:0020820, OMIM 601680.

Allele frequency attached by ClinVar (database versions not stated): gnomAD exomes 0.00005 and 0.00010; gnomAD 0.00006 and 0.00009; ExAC 0.00009; TOPMed 0.00009; ESP Exome Variant Server 0.00015; 1000 Genomes Project 30x 0.00016; 1000 Genomes Project 0.00020.
gnomAD v4.1: 86 of 1,614,208 alleles (0.0053%); highest among the groups gnomAD compares: Middle Eastern, 0.016%; no homozygotes.

Submissions (4):

Labcorp Genetics (formerly Invitae), Labcorp
Classification: Likely benign. Last evaluated: 2025-08-20. Review status: criteria provided, single submitter. Criteria: Invitae Variant Classification Sherloc (09022015). Collection method: clinical testing. Allele origin: germline.

Illumina Laboratory Services, Illumina
Classification: Benign for Freeman-Sheldon syndrome. Last evaluated: 2018-01-13. Review status: criteria provided, single submitter. Criteria: ICSL Variant Classification Criteria 13 December 2019. Collection method: clinical testing. Allele origin: germline.
Comment: This variant was observed in the ICSL laboratory as part of a predisposition screen in an ostensibly healthy population. It had not been previously curated by ICSL or reported in the Human Gene Mutation Database (HGMD: prior to June 1st, 2018), and was therefore a candidate for classification through an automated scoring system. Utilizing variant allele frequency, disease prevalence and penetrance estimates, and inheritance mode, an automated score was calculated to assess if this variant is too frequent to cause the disease. Based on the score and internal cut-off values, a variant classified as benign is not then subjected to further curation. The score for this variant resulted in a classification of benign for this disease.

Illumina Laboratory Services, Illumina
Classification: Uncertain significance for Distal arthrogryposis type 2B1. Last evaluated: 2018-01-13. Review status: criteria provided, single submitter. Criteria: ICSL Variant Classification Criteria 13 December 2019. Collection method: clinical testing. Allele origin: germline.

Dr. Peter K. Rogan Lab, Western University
No classification provided (evidence only). Condition: Gastric cancer. Review status: no classification provided. Collection method: in vitro. Allele origin: not applicable. Functional consequence: retained intron. Not counted in ClinVar's aggregate classification.

NM_002470.4(MYH3):c.5660A>G (p.Asp1887Gly)

Gene: MYH3 (myosin heavy chain 3; minus strand). Cytogenetic location: 17p13.1.
Variant type: single nucleotide variant.
Coding change: c.5660A>G on transcript NM_002470.4 (MANE Select); coding-DNA position 5660, A replaced by G.
Protein change: p.Asp1887Gly; replaces aspartic acid 1887 with glycine.
Molecular consequence: missense variant.
Genome position (GRCh38, 1-based): chr17:10,629,733, T>C on the plus strand (A>G on the coding strand, the complement: MYH3 is on the minus strand). VCF-style: chr17-10629733-T-C. GRCh37 (hg19) VCF-style: chr17-10533050-T-C.
Other names: short protein forms D1887G.
Identifiers: ClinVar variation 321711 (VCV000321711.10), dbSNP rs147304568, ClinGen allele CA8391832.